The following is an entry in ClinVar:

ClinVar aggregate classification (germline): Uncertain significance (1 of 4 stars; one submission).

Allele frequency attached by ClinVar (database versions not stated): gnomAD exomes below 0.00001.
gnomAD v4.1: 1 of 1,613,096 alleles (0.000062%); no homozygotes.

Submission:

GeneDx
Classification: Uncertain significance. Last evaluated: 2022-05-03. Review status: criteria provided, single submitter. Criteria: GeneDx Variant Classification Process June 2021. Collection method: clinical testing. Allele origin: germline. Affected: yes.
Comment: Not observed at significant frequency in large population cohorts (gnomAD); In silico analysis supports that this missense variant has a deleterious effect on protein structure/function; Has not been previously published as pathogenic or benign to our knowledge

NM_030632.3(ASXL3):c.933C>A (p.Phe311Leu)

Gene: ASXL3 (ASXL transcriptional regulator 3; plus strand). Cytogenetic location: 18q12.1.
Variant type: single nucleotide variant.
Coding change: c.933C>A on transcript NM_030632.3 (MANE Select); coding-DNA position 933, C replaced by A.
Protein change: p.Phe311Leu; replaces phenylalanine 311 with leucine.
Molecular consequence: missense variant.
Genome position (GRCh38, 1-based): chr18:33,732,021, C>A. VCF-style: chr18-33732021-C-A. GRCh37 (hg19) VCF-style: chr18-31311985-C-A.
Other names: short protein forms F311L.
Identifiers: ClinVar variation 1722984 (VCV001722984.2), dbSNP rs2510907529, ClinGen allele CA402171590.